The following is an entry in ClinVar:

ClinVar aggregate classification (germline): Uncertain significance (1 of 4 stars; one submission).

Conditions:
Emery-Dreifuss muscular dystrophy 5, autosomal dominant (EDMD5). Also called: EMERY-DREIFUSS MUSCULAR DYSTROPHY 5. Identifiers: Orphanet 261, MedGen C2751805, MONDO:0013072, OMIM 612999.

Submission:

Labcorp Genetics (formerly Invitae), Labcorp
Classification: Uncertain significance for Emery-Dreifuss muscular dystrophy 5, autosomal dominant. Last evaluated: 2021-01-17. Review status: criteria provided, single submitter. Criteria: Invitae Variant Classification Sherloc (09022015). Collection method: clinical testing. Allele origin: germline.
Comment: In summary, the available evidence is currently insufficient to determine the role of this variant in disease. Therefore, it has been classified as a Variant of Uncertain Significance. This variant has not been reported in the literature in individuals with SYNE2-related conditions. This variant is not present in population databases (ExAC no frequency). This sequence change creates a premature translational stop signal (p.Arg2844Serfs*12) in the SYNE2 gene. It is expected to result in an absent or disrupted protein product. However, the current clinical and genetic evidence is not sufficient to establish whether loss-of-function variants in SYNE2 cause disease.

NM_182914.3(SYNE2):c.8532_8535del (p.Arg2844fs)

Gene: SYNE2 (spectrin repeat containing nuclear envelope protein 2; plus strand). Cytogenetic location: 14q23.2.
Variant type: Deletion.
Coding change: c.8532_8535del on transcript NM_182914.3 (MANE Select); coding-DNA positions 8532 to 8535, 4 bases deleted (GAAG; older notation c.8532_8535delGAAG).
Protein change: p.Arg2844fs; shifts the reading frame from arginine 2844.
Molecular consequence: frameshift variant.
Genome position (GRCh38, 1-based): chr14:64,052,445-64,052,448, GAAG deleted; deleting any 4 consecutive bases within chr14:64,052,442-64,052,448 gives the same sequence; the c. name uses the placement nearest the transcript's 3' end. VCF-style (leftmost placement, unchanged base first): chr14-64052441-TAAGG-T. GRCh37 (hg19) VCF-style: chr14-64519159-TAAGG-T.
Other names: c.8532_8535del, p.Arg2844fs (NM_015180.6); short protein forms R2844fs.
Identifiers: ClinVar variation 1472869 (VCV001472869.6), dbSNP rs2153576735, ClinGen allele CA2573150012.